The following is an entry in ClinVar:

NM_014795.4(ZEB2):c.3280G>A (p.Glu1094Lys)

Gene: ZEB2 (zinc finger E-box binding homeobox 2; minus strand). Cytogenetic location: 2q22.3.
Variant type: single nucleotide variant.
Coding change: c.3280G>A on transcript NM_014795.4 (MANE Select); coding-DNA position 3280, G replaced by A.
Protein change: p.Glu1094Lys; replaces glutamic acid 1094 with lysine.
Molecular consequence: missense variant.
Genome position (GRCh38, 1-based): chr2:144,389,816, C>T on the plus strand (G>A on the coding strand, the complement: ZEB2 is on the minus strand). VCF-style: chr2-144389816-C-T. GRCh37 (hg19) VCF-style: chr2-145147383-C-T.
Other names: c.3208G>A, p.Glu1070Lys (NM_001171653.2); short protein forms E1094K, E1070K.
Identifiers: ClinVar variation 852429 (VCV000852429.9), dbSNP rs1703133016, ClinGen allele CA348699865.

ClinVar aggregate classification (germline): Uncertain significance (1 of 4 stars; one submission).

Conditions:
Mowat-Wilson syndrome (MOWS). Also called: Classic Mowat-Wilson Syndrome. Identifiers: Orphanet 2152, MedGen C1856113, MONDO:0009341, OMIM 235730.

Allele frequency attached by ClinVar (database versions not stated): gnomAD exomes 0.00001.
gnomAD v4.1: 7 of 1,612,976 alleles (0.00043%); highest among the groups gnomAD compares: South Asian, 0.0011%; no homozygotes.

Submission:

Labcorp Genetics (formerly Invitae), Labcorp
Classification: Uncertain significance for Mowat-Wilson syndrome. Last evaluated: 2019-11-21. Review status: criteria provided, single submitter. Criteria: Invitae Variant Classification Sherloc (09022015). Collection method: clinical testing. Allele origin: germline.
Comment: In summary, the available evidence is currently insufficient to determine the role of this variant in disease. Therefore, it has been classified as a Variant of Uncertain Significance. This sequence change replaces glutamic acid with lysine at codon 1094 of the ZEB2 protein (p.Glu1094Lys). The glutamic acid residue is highly conserved and there is a small physicochemical difference between glutamic acid and lysine. This variant is not present in population databases (ExAC no frequency). This variant has not been reported in the literature in individuals with ZEB2-related conditions. Algorithms developed to predict the effect of missense changes on protein structure and function are either unavailable or do not agree on the potential impact of this missense change (SIFT: "Deleterious"; PolyPhen-2: "Probably Damaging"; Align-GVGD: "Class C0").